The following is an entry in ClinVar:

ClinVar aggregate classification (germline): Conflicting classifications of pathogenicity. Review status: criteria provided, conflicting classifications (1 of 4 stars). 7 submissions from 6 submitters: Uncertain significance (3); Benign (1); Likely benign (3). Last evaluated 2025-11-26.

Conditions:
Emery-Dreifuss muscular dystrophy 4, autosomal dominant (EDMD4). Also called: EMERY-DREIFUSS MUSCULAR DYSTROPHY 4 WITH VARIABLE FEATURES. Identifiers: Orphanet 261, MedGen C2751807, MONDO:0013071, OMIM 612998.
Autosomal recessive ataxia, Beauce type. Also called: SYNE1 Deficiency; SYNE1-Related Autosomal Recessive Cerebellar Ataxia; ATAXIA, RECESSIVE, OF BEAUCE; Spinocerebellar ataxia, autosomal recessive 8. Identifiers: Orphanet 88644, MedGen C1853116, MONDO:0012549, OMIM 610743.

Allele frequency attached by ClinVar (database versions not stated): ESP Exome Variant Server 0.00008; gnomAD 0.00009 and 0.00010; TOPMed 0.00012; ExAC 0.00013; gnomAD exomes 0.00018 and 0.00022; 1000 Genomes Project 0.00020; 1000 Genomes Project 30x 0.00031.
gnomAD v4.1: 329 of 1,614,102 alleles (0.02%); highest among the groups gnomAD compares: Admixed American, 0.033%; no homozygotes.

Submissions (7):

Labcorp Genetics (formerly Invitae), Labcorp
Classification: Likely benign for Emery-Dreifuss muscular dystrophy 4, autosomal dominant; Autosomal recessive ataxia, Beauce type. Last evaluated: 2025-11-26. Review status: criteria provided, single submitter. Criteria: Invitae Variant Classification Sherloc (09022015). Collection method: clinical testing. Allele origin: germline.

Mayo Clinic Laboratories, Mayo Clinic
Classification: Likely benign. Last evaluated: 2025-01-14. Review status: criteria provided, single submitter. Criteria: ACMG Guidelines, 2015. Collection method: clinical testing. Allele origin: germline. Observed: 2 variant alleles.
Comment: BP4, BP7

Blueprint Genetics
Classification: Likely benign. Last evaluated: 2024-09-17. Review status: criteria provided, single submitter. Criteria: ACMG Guidelines, 2015. Collection method: clinical testing. Allele origin: germline.

CeGaT Center for Human Genetics Tuebingen
Classification: Uncertain significance. Last evaluated: 2021-03-01. Review status: criteria provided, single submitter. Criteria: CeGaT Center For Human Genetics Tuebingen Variant Classification Criteria Version 2. Collection method: clinical testing. Allele origin: germline. Affected: yes. Observed: 1 variant allele.

Illumina Laboratory Services, Illumina
Classification: Benign for Emery-Dreifuss muscular dystrophy 4, autosomal dominant. Last evaluated: 2018-01-12. Review status: criteria provided, single submitter. Criteria: ICSL Variant Classification Criteria 13 December 2019. Collection method: clinical testing. Allele origin: germline.
Comment: This variant was observed in the ICSL laboratory as part of a predisposition screen in an ostensibly healthy population. It had not been previously curated by ICSL or reported in the Human Gene Mutation Database (HGMD: prior to June 1st, 2018), and was therefore a candidate for classification through an automated scoring system. Utilizing variant allele frequency, disease prevalence and penetrance estimates, and inheritance mode, an automated score was calculated to assess if this variant is too frequent to cause the disease. Based on the score and internal cut-off values, a variant classified as benign is not then subjected to further curation. The score for this variant resulted in a classification of benign for this disease.

Illumina Laboratory Services, Illumina
Classification: Uncertain significance for Autosomal recessive ataxia, Beauce type. Last evaluated: 2018-01-12. Review status: criteria provided, single submitter. Criteria: ICSL Variant Classification Criteria 13 December 2019. Collection method: clinical testing. Allele origin: germline.

Eurofins Ntd Llc (ga)
Classification: Uncertain significance. Last evaluated: 2017-06-06. Review status: criteria provided, single submitter. Criteria: EGL Classification Definitions 2015. Collection method: clinical testing. Allele origin: germline. Observed: 6 variant alleles, 6 heterozygotes.

NM_182961.4(SYNE1):c.14380C>T (p.Leu4794=)

Gene: SYNE1 (spectrin repeat containing nuclear envelope protein 1; minus strand). Cytogenetic location: 6q25.2.
Variant type: single nucleotide variant.
Coding change: c.14380C>T on transcript NM_182961.4 (MANE Select); coding-DNA position 14380, C replaced by T.
Protein change: p.Leu4794=; no amino-acid change (leucine 4794 retained).
Molecular consequence: synonymous variant.
Genome position (GRCh38, 1-based): chr6:152,330,305, G>A on the plus strand (C>T on the coding strand, the complement: SYNE1 is on the minus strand). VCF-style: chr6-152330305-G-A. GRCh37 (hg19) VCF-style: chr6-152651440-G-A.
Other names: p.Leu4723=; c.14167C>T, p.Leu4723= (NM_033071.5).
Identifiers: ClinVar variation 285600 (VCV000285600.57), dbSNP rs138307449, ClinGen allele CA4056015.